The following is an entry in ClinVar:

ClinVar aggregate classification (germline): Uncertain significance. Review status: criteria provided, multiple submitters, no conflicts (2 of 4 stars). 2 submissions from 2 submitters: Uncertain significance (2). Last evaluated 2026-07-06.

Conditions:
Familial adenomatous polyposis 1 (FAP1). Also called: FAMILIAL ADENOMATOUS POLYPOSIS 1, ATTENUATED; POLYPOSIS, ADENOMATOUS INTESTINAL. Identifiers: MedGen C2713442, MONDO:0021056, OMIM 175100. Disease mechanism: loss of function.
Hereditary cancer-predisposing syndrome. Also called: Hereditary neoplastic syndrome; Neoplastic Syndromes, Hereditary; Tumor predisposition; Hereditary Cancer Syndrome. Identifiers: Orphanet 140162, MedGen C0027672, MeSH D009386, MONDO:0015356.

Submissions (2):

Ambry Genetics
Classification: Uncertain significance for Hereditary cancer-predisposing syndrome. Last evaluated: 2026-07-06. Review status: criteria provided, single submitter. Criteria: Ambry Variant Classification Scheme 2023. Collection method: clinical testing. Allele origin: germline.
Comment: The p.Q1065E variant (also known as c.3193C>G), located in coding exon 15 of the APC gene, results from a C to G substitution at nucleotide position 3193. The glutamine at codon 1065 is replaced by glutamic acid, an amino acid with highly similar properties. This amino acid position is conserved. In addition, in silico predictors for this gene do not accurately predict pathogenicity. Based on the available evidence, the clinical significance of this variant remains unclear.

Labcorp Genetics (formerly Invitae), Labcorp
Classification: Uncertain significance for Familial adenomatous polyposis 1. Last evaluated: 2024-06-10. Review status: criteria provided, single submitter. Criteria: Invitae Variant Classification Sherloc (09022015). Collection method: clinical testing. Allele origin: germline.
Comment: This sequence change replaces glutamine, which is neutral and polar, with glutamic acid, which is acidic and polar, at codon 1065 of the APC protein (p.Gln1065Glu). This variant is not present in population databases (gnomAD no frequency). This variant has not been reported in the literature in individuals affected with APC-related conditions. Advanced modeling of protein sequence and biophysical properties (such as structural, functional, and spatial information, amino acid conservation, physicochemical variation, residue mobility, and thermodynamic stability) performed at Invitae indicates that this missense variant is not expected to disrupt APC protein function with a negative predictive value of 95%. In summary, the available evidence is currently insufficient to determine the role of this variant in disease. Therefore, it has been classified as a Variant of Uncertain Significance.

NM_000038.6(APC):c.3193C>G (p.Gln1065Glu)

Gene: APC (APC regulator of Wnt signaling pathway; plus strand). Cytogenetic location: 5q22.2.
Variant type: single nucleotide variant.
Coding change: c.3193C>G on transcript NM_000038.6 (MANE Select); coding-DNA position 3193, C replaced by G.
Protein change: p.Gln1065Glu; replaces glutamine 1065 with glutamic acid.
Molecular consequence: missense variant. On other transcripts: non-coding transcript variant (2).
Genome position (GRCh38, 1-based): chr5:112,838,787, C>G. VCF-style: chr5-112838787-C-G. GRCh37 (hg19) VCF-style: chr5-112174484-C-G.
Other names: c.3193C>G (NM_000038.5); c.3193C>G, p.Gln1065Glu (NM_001127510.3, NM_001354895.2, NM_001407450.1); c.3139C>G, p.Gln1047Glu (NM_001127511.3); c.3247C>G, p.Gln1083Glu (NM_001354896.2, NM_001407447.1, NM_001407448.1 and 1 more transcripts); c.3223C>G, p.Gln1075Glu (NM_001354897.2); c.3118C>G, p.Gln1040Glu (NM_001354898.2); c.3109C>G, p.Gln1037Glu (NM_001354899.2); c.3070C>G, p.Gln1024Glu (NM_001354900.2); and 12 more; short protein forms Q1024E, Q1047E, Q1083E, Q1093E, Q681E, Q974E, Q1058E, Q1075E.
Identifiers: ClinVar variation 3635438 (VCV003635438.3).